The following is an entry in ClinVar:

NM_006237.4(POU4F1):c.325dup (p.Gln109fs)

Genes: POU4F1 (POU class 4 homeobox 1; minus strand), OBI1-AS1 (OBI1 antisense RNA 1; plus strand). Cytogenetic location: 13q31.1.
Variant type: Duplication.
Coding change: c.325dup on transcript NM_006237.4 (MANE Select); coding-DNA position 325, one base duplicated (C; older notation c.325dupC).
Protein change: p.Gln109fs; shifts the reading frame from glutamine 109.
Molecular consequence: frameshift variant.
Genome position (GRCh38, 1-based): chr13:78,602,350, G duplicated on the plus strand (C on the coding strand, the reverse complement: POU4F1 is on the minus strand); the first of 2 consecutive G bases (chr13:78,602,350-78,602,351); duplicating either gives the same sequence. VCF-style (leftmost placement, unchanged base first): chr13-78602349-T-TG. GRCh37 (hg19) VCF-style: chr13-79176484-T-TG.
Other names: short protein forms Q109fs.
Identifiers: ClinVar variation 4854618 (VCV004854618.1).

ClinVar aggregate classification (germline): Likely pathogenic (1 of 4 stars; one submission).

Conditions:
Ataxia, intention tremor, and hypotonia syndrome, childhood-onset. Identifiers: MedGen C5543478, MONDO:0859158, OMIM 619352.

Submission:

3billion
Classification: Likely pathogenic for Ataxia, intention tremor, and hypotonia syndrome, childhood-onset. Last evaluated: 2025-08-26. Review status: criteria provided, single submitter. Criteria: ACMG Guidelines, 2015. Collection method: clinical testing. Allele origin: germline. Affected: yes.
Comment: The variant is not observed in the gnomAD v4.1.0 dataset. Predicted Consequence/Location: Frameshift: predicted to result in a loss or disruption of normal protein function through protein truncation. The predicted truncated protein may be shortened by more than 10%. Therefore, this variant is classified as Likely pathogenic according to the recommendation of ACMG/AMP guideline.